The following is an entry in ClinVar:

ClinVar aggregate classification (germline): Uncertain significance. Review status: criteria provided, multiple submitters, no conflicts (2 of 4 stars). 3 submissions from 3 submitters: Uncertain significance (3). Last evaluated 2025-06-01.

Conditions:
Polycystic liver disease 4 with or without kidney cysts. Identifiers: MedGen C4693479, MONDO:0044327, OMIM 617875.
Exudative vitreoretinopathy 4 (EVR4). Identifiers: Orphanet 891, MedGen C1866176, MONDO:0011151, OMIM 601813.
Osteoporosis with pseudoglioma (OPPG). Also called: osteoporosis-pseudoglioma syndrome. Identifiers: Orphanet 2788, MedGen C0432252, MONDO:0009820, OMIM 259770.
Worth disease. Also called: Autosomal dominant osteosclerosis, Worth type; OSTEOSCLEROSIS, AUTOSOMAL DOMINANT; ENDOSTEAL HYPEROSTOSIS, AUTOSOMAL DOMINANT. Identifiers: Orphanet 2790, MedGen C0432273, MONDO:0007764, OMIM 144750.
Bone mineral density quantitative trait locus 1 (BMND1). Identifiers: MedGen C1866079, OMIM 601884.
Autosomal dominant osteopetrosis 1 (OPTA1). Also called: OSTEOPETROSIS, AUTOSOMAL DOMINANT, TYPE I. Identifiers: Orphanet 2783, MedGen C1843330, MONDO:0011877, OMIM 607634.
LRP5-related disorder. Also called: LRP5-related condition.

Allele frequency attached by ClinVar (database versions not stated): ExAC 0.00001; gnomAD 0.00001; TOPMed 0.00003; gnomAD exomes 0.00004.
gnomAD v4.1: 18 of 1,613,208 alleles (0.0011%); highest among the groups gnomAD compares: Admixed American, 0.03%; no homozygotes.

Submissions (3):

Labcorp Genetics (formerly Invitae), Labcorp
Classification: Uncertain significance. Last evaluated: 2025-06-01. Review status: criteria provided, single submitter. Criteria: Invitae Variant Classification Sherloc (09022015). Collection method: clinical testing. Allele origin: germline.
Comment: This sequence change replaces proline, which is neutral and non-polar, with alanine, which is neutral and non-polar, at codon 1574 of the LRP5 protein (p.Pro1574Ala). This variant is present in population databases (rs748088266, gnomAD 0.03%). This missense change has been observed in individual(s) with familial exudative vitreoretinopathy (PMID: 25711638). ClinVar contains an entry for this variant (Variation ID: 1477068). Invitae Evidence Modeling of protein sequence and biophysical properties (such as structural, functional, and spatial information, amino acid conservation, physicochemical variation, residue mobility, and thermodynamic stability) indicates that this missense variant is not expected to disrupt LRP5 protein function with a negative predictive value of 95%. In summary, the available evidence is currently insufficient to determine the role of this variant in disease. Therefore, it has been classified as a Variant of Uncertain Significance.

PreventionGenetics, part of Exact Sciences
Classification: Uncertain significance for LRP5-related condition. Last evaluated: 2024-10-10. Review status: criteria provided, single submitter. Criteria: ACMG Guidelines, 2015. Collection method: clinical testing. Allele origin: germline.
Comment: The LRP5 c.4720C>G variant is predicted to result in the amino acid substitution p.Pro1574Ala. This variant was reported in an individual with familial exudative vitreoretinopathy (Salvo et al. 2015. PubMed ID: 25711638). This variant is reported in 0.029% of alleles in individuals of Latino descent in gnomAD. At this time, the clinical significance of this variant is uncertain due to the absence of conclusive functional and genetic evidence.

Fulgent Genetics
Classification: Uncertain significance for Worth disease; Osteoporosis with pseudoglioma; Exudative vitreoretinopathy 4; Bone mineral density quantitative trait locus 1; Autosomal dominant osteopetrosis 1; Polycystic liver disease 4 with or without kidney cysts. Last evaluated: 2024-03-08. Review status: criteria provided, single submitter. Criteria: ACMG Guidelines, 2015. Collection method: clinical testing. Allele origin: germline.

Literature cited by the submitters: PubMed 25711638 (cited by Labcorp Genetics (formerly Invitae), Labcorp).

NM_002335.4(LRP5):c.4720C>G (p.Pro1574Ala)

Gene: LRP5 (LDL receptor related protein 5; plus strand). Cytogenetic location: 11q13.2.
Variant type: single nucleotide variant.
Coding change: c.4720C>G on transcript NM_002335.4 (MANE Select); coding-DNA position 4720, C replaced by G.
Protein change: p.Pro1574Ala; replaces proline 1574 with alanine.
Molecular consequence: missense variant.
Genome position (GRCh38, 1-based): chr11:68,448,942, C>G. VCF-style: chr11-68448942-C-G. GRCh37 (hg19) VCF-style: chr11-68216410-C-G.
Other names: c.4720C>G (NM_002335.3); c.2977C>G, p.Pro993Ala (NM_001291902.2); short protein forms P1574A, P993A.
Identifiers: ClinVar variation 1477068 (VCV001477068.9), dbSNP rs748088266, ClinGen allele CA6150492.